The following is an entry in ClinVar:

ClinVar aggregate classification (germline): Uncertain significance (1 of 4 stars; one submission).

Conditions:
Hereditary breast ovarian cancer syndrome. Also called: BRCA1- and BRCA2-Associated Hereditary Breast and Ovarian Cancer; Hereditary breast and ovarian cancer syndrome; Hereditary breast and ovarian cancer syndrome (HBOC); Hereditary breast and/or ovarian cancer syndrome; Breast and ovarian cancer; Hereditary breast and ovarian cancer. Identifiers: Orphanet 145, MedGen C0677776, MeSH D061325, MONDO:0003582. Disease mechanism: loss of function.

Submission:

Labcorp Genetics (formerly Invitae), Labcorp
Classification: Uncertain significance for Hereditary breast ovarian cancer syndrome. Last evaluated: 2020-01-15. Review status: criteria provided, single submitter. Criteria: Invitae Variant Classification Sherloc (09022015). Collection method: clinical testing. Allele origin: germline.
Comment: This variant has not been reported in the literature in individuals with BRCA1-related disease. ClinVar contains an entry for this variant (Variation ID: 659074). This variant is not present in population databases (ExAC no frequency). This sequence change replaces leucine with arginine at codon 1558 of the BRCA1 protein (p.Leu1558Arg). The leucine residue is moderately conserved and there is a moderate physicochemical difference between leucine and arginine. Algorithms developed to predict the effect of missense changes on protein structure and function (SIFT, PolyPhen-2, Align-GVGD) all suggest that this variant is likely to be tolerated, but these predictions have not been confirmed by published functional studies and their clinical significance is uncertain. In summary, the available evidence is currently insufficient to determine the role of this variant in disease. Therefore, it has been classified as a Variant of Uncertain Significance.

NM_007294.4(BRCA1):c.4673T>G (p.Leu1558Arg)

Gene: BRCA1 (BRCA1 DNA repair associated; minus strand). Cytogenetic location: 17q21.31.
Variant type: single nucleotide variant.
Coding change: c.4673T>G on transcript NM_007294.4 (MANE Select); coding-DNA position 4673, T replaced by G.
Protein change: p.Leu1558Arg; replaces leucine 1558 with arginine.
Molecular consequence: missense variant. On other transcripts: non-coding transcript variant (1).
Genome position (GRCh38, 1-based): chr17:43,074,333, A>C on the plus strand (T>G on the coding strand, the complement: BRCA1 is on the minus strand). VCF-style: chr17-43074333-A-C. GRCh37 (hg19) VCF-style: chr17-41226350-A-C.
Other names: c.4460T>G, p.Leu1487Arg (NM_001407571.1, NM_001407894.1, NM_001407895.1 and 12 more transcripts); c.4739T>G, p.Leu1580Arg (NM_001407581.1, NM_001407582.1); c.4736T>G, p.Leu1579Arg (NM_001407583.1, NM_001407585.1, NM_001407587.1 and 1 more transcripts); c.4733T>G, p.Leu1578Arg (NM_001407590.1, NM_001407591.1); c.4673T>G, p.Leu1558Arg (NM_001407593.1, NM_001407594.1, NM_001407596.1 and 8 more transcripts); c.4670T>G, p.Leu1557Arg (NM_001407610.1, NM_001407611.1, NM_001407612.1 and 17 more transcripts); c.4667T>G, p.Leu1556Arg (NM_001407627.1, NM_001407628.1, NM_001407629.1 and 14 more transcripts); c.4664T>G, p.Leu1555Arg (NM_001407644.1, NM_001407645.1); and 68 more; short protein forms L1558R, L1579R, L454R, L1511R, L1429R, L1430R, L1431R, L1446R.
Identifiers: ClinVar variation 659074 (VCV000659074.10), dbSNP rs1597835669, ClinGen allele CA10592163.